The following is an entry in ClinVar:

ClinVar aggregate classification (germline): Uncertain significance (1 of 4 stars; one submission).

Conditions:
Familial adenomatous polyposis 1 (FAP1). Also called: FAMILIAL ADENOMATOUS POLYPOSIS 1, ATTENUATED; POLYPOSIS, ADENOMATOUS INTESTINAL. Identifiers: MedGen C2713442, MONDO:0021056, OMIM 175100. Disease mechanism: loss of function.

Submission:

Labcorp Genetics (formerly Invitae), Labcorp
Classification: Uncertain significance for Familial adenomatous polyposis 1. Last evaluated: 2022-04-21. Review status: criteria provided, single submitter. Criteria: Invitae Variant Classification Sherloc (09022015). Collection method: clinical testing. Allele origin: germline.
Comment: In summary, the available evidence is currently insufficient to determine the role of this variant in disease. Therefore, it has been classified as a Variant of Uncertain Significance. Experimental studies and prediction algorithms are not available or were not evaluated, and the functional significance of this variant is currently unknown. This variant has not been reported in the literature in individuals affected with APC-related conditions. This variant is not present in population databases (gnomAD no frequency). This variant occurs in a non-coding region of the APC gene. It does not change the encoded amino acid sequence of the APC protein.

NM_001127511.3(APC):c.-122_-94dup

Gene: APC (APC regulator of Wnt signaling pathway; plus strand). Cytogenetic location: 5q22.2.
Variant type: Duplication.
Coding change: c.-122_-94dup on transcript NM_001127511.3; 122 bases upstream of the start codon through 94 bases upstream of the start codon, 29 bases duplicated (TGCGGGCTCAGGCCCGGGAGCTGCGGACC).
Molecular consequence: 5 prime UTR variant. On other transcripts: non-coding transcript variant (2).
Genome position (GRCh38, 1-based): chr5:112,707,596-112,707,624, TGCGGGCTCAGGCCCGGGAGCTGCGGACC duplicated; duplicating any 29 consecutive bases within chr5:112,707,591-112,707,624 gives the same sequence; the c. name uses the placement nearest the transcript's 3' end. VCF-style (leftmost placement, unchanged base first): chr5-112707590-G-GGGACCTGCGGGCTCAGGCCCGGGAGCTGC. GRCh37 (hg19) VCF-style: chr5-112043287-G-GGGACCTGCGGGCTCAGGCCCGGGAGCTGC.
Other names: c.-72_-44dup (NM_001407448.1, NM_001407450.1, NM_001407457.1 and 1 more transcripts); c.-305_-277dup (NM_001407452.1, NM_001407456.1, NM_001407460.1 and 3 more transcripts); c.-96_-68dup (NM_001407453.1); c.-1340_-1312dup (NM_001407470.1, NM_001407472.1); c.-122_-94dup (NM_001354897.2, NM_001354902.2, NM_001407446.1).
Identifiers: ClinVar variation 2128743 (VCV002128743.4), dbSNP rs2531736170, ClinGen allele CA2580072298.